The following is an entry in ClinVar:

ClinVar aggregate classification (germline): Uncertain significance. Review status: criteria provided, multiple submitters, no conflicts (2 of 4 stars). 5 submissions from 5 submitters: Uncertain significance (5). Last evaluated 2026-01-27.

Conditions:
Cardiovascular phenotype. Identifiers: MedGen CN230736.
Cardiomyopathy (CMYO). Also called: Cardiomyopathies. Identifiers: Orphanet 167848, MedGen C0878544, MONDO:0004994, HP:0001638. Inheritance: Various modes of inheritance.
Hypertrophic cardiomyopathy. Also called: HYPERTROPHIC MYOCARDIOPATHY. Identifiers: Orphanet 217569, MedGen C0007194, MeSH D002312, MONDO:0005045, HP:0001639.

Allele frequency attached by ClinVar (database versions not stated): gnomAD exomes below 0.00001 and 0.00001; ExAC 0.00001; TOPMed 0.00001.

Submissions (5):

Labcorp Genetics (formerly Invitae), Labcorp
Classification: Uncertain significance for Hypertrophic cardiomyopathy. Last evaluated: 2026-01-27. Review status: criteria provided, single submitter. Criteria: Invitae Variant Classification Sherloc (09022015). Collection method: clinical testing. Allele origin: germline.
Comment: This sequence change falls in intron 26 of the MYH7 gene. It does not directly change the encoded amino acid sequence of the MYH7 protein. It affects a nucleotide within the consensus splice site. This variant is present in population databases (rs397516180, gnomAD 0.0009%). This variant has not been reported in the literature in individuals affected with MYH7-related conditions. ClinVar contains an entry for this variant (Variation ID: 42954). Variants that disrupt the consensus splice site are a relatively common cause of aberrant splicing (PMID: 17576681, 9536098). Algorithms developed to predict the effect of sequence changes on RNA splicing suggest that this variant is not likely to affect RNA splicing. In summary, the available evidence is currently insufficient to determine the role of this variant in disease. Therefore, it has been classified as a Variant of Uncertain Significance.

Color Diagnostics, LLC DBA Color Health
Classification: Uncertain significance for Cardiomyopathy. Last evaluated: 2025-07-15. Review status: criteria provided, single submitter. Criteria: ACMG Guidelines, 2015. Collection method: clinical testing. Allele origin: germline.
Comment: This variant causes a G to A nucleotide substitution at the +3 position of intron 26 of the MYH7 gene. To our knowledge, functional studies have not been reported for this variant. This variant has not been reported in individuals affected with MYH7-related disorders in the literature. This variant has been identified in 1/251284 chromosomes in the general population by the Genome Aggregation Database (gnomAD). The available evidence is insufficient to determine the role of this variant in disease conclusively. Therefore, this variant is classified as a Variant of Uncertain Significance.

All of Us Research Program, National Institutes of Health
Classification: Uncertain significance for Cardiomyopathy. Last evaluated: 2023-08-15. Review status: criteria provided, single submitter. Criteria: ACMG Guidelines, 2015. Collection method: clinical testing. Allele origin: germline. Inheritance: Autosomal dominant inheritance. Observed: 4 variant alleles, 4 heterozygotes.
Comment: This variant causes a G to A nucleotide substitution at the +3 position of intron 26 of the MYH7 gene. To our knowledge, functional studies have not been reported for this variant. This variant has not been reported in individuals affected with MYH7-related disorders in the literature. This variant has been identified in 1/251284 chromosomes in the general population by the Genome Aggregation Database (gnomAD). The available evidence is insufficient to determine the role of this variant in disease conclusively. Therefore, this variant is classified as a Variant of Uncertain Significance.

This study involves interpretation of variants in research participants for the purpose of population health screening. Participant phenotype was not available at the time of variant classification. Additional details can be found in publication PMID: 35346344, PMCID: PMC8962531

Ambry Genetics
Classification: Uncertain significance for Cardiovascular phenotype. Last evaluated: 2017-12-16. Review status: criteria provided, single submitter. Criteria: Ambry Variant Classification Scheme 2023. Collection method: clinical testing. Allele origin: germline.
Comment: The c.3336+3G>A intronic alteration consists of a G to A substitution nucleotides after coding exon in the MYH7 gene. Based on insufficient or conflicting evidence, the clinical significance of this alteration remains unclear.

Laboratory for Molecular Medicine, Mass General Brigham Personalized Medicine
Classification: Uncertain significance. Last evaluated: 2014-03-07. Review status: criteria provided, single submitter. Criteria: LMM Criteria. Collection method: clinical testing. Allele origin: germline. Observed: 1 variant allele.
Comment: proposed classification - variant undergoing re-assessment, contact laboratory

Literature cited by the submitters: PubMed 17576681 (cited by Labcorp Genetics (formerly Invitae), Labcorp); PubMed 9536098 (cited by Labcorp Genetics (formerly Invitae), Labcorp).

NM_000257.4(MYH7):c.3336+3G>A

Gene: MYH7 (myosin heavy chain 7; minus strand). Cytogenetic location: 14q11.2.
Variant type: single nucleotide variant.
Coding change: c.3336+3G>A on transcript NM_000257.4 (MANE Select); 3 bases into the intron after coding-DNA position 3336, G replaced by A.
Molecular consequence: intron variant.
Genome position (GRCh38, 1-based): chr14:23,420,955, C>T on the plus strand (G>A on the coding strand, the complement: MYH7 is on the minus strand). VCF-style: chr14-23420955-C-T. GRCh37 (hg19) VCF-style: chr14-23890164-C-T.
Identifiers: ClinVar variation 42954 (VCV000042954.14), dbSNP rs397516180, ClinGen allele CA013571.